The following is an entry in ClinVar:

ClinVar aggregate classification (germline): Benign. Review status: criteria provided, multiple submitters, no conflicts (2 of 4 stars). 5 submissions from 5 submitters: Benign (5). Last evaluated 2026-08-11.

Conditions:
Generalized juvenile polyposis/juvenile polyposis coli. Also called: Juvenile polyposis coli. Identifiers: Orphanet 329971, MedGen C1868081, MONDO:0008276.
BMPR1A-related disorder. Also called: BMPR1A-related condition.
Hereditary cancer-predisposing syndrome. Also called: Hereditary Cancer Syndrome; Neoplastic Syndromes, Hereditary; Tumor predisposition; Hereditary neoplastic syndrome. Identifiers: Orphanet 140162, MedGen C0027672, MeSH D009386, MONDO:0015356.

Allele frequency attached by ClinVar (database versions not stated): gnomAD exomes 0.15455; TOPMed 0.28857; gnomAD 0.29033 and 0.29938; 1000 Genomes Project 30x 0.33838; 1000 Genomes Project 0.34824.
gnomAD v4.1: 45,159 of 151,312 alleles (30%); highest among the groups gnomAD compares: East Asian, 70%; 7,835 homozygotes.

Submissions (5):

PreventionGenetics, part of Exact Sciences
Classification: Benign for BMPR1A-related condition. Last evaluated: 2026-08-11. Review status: criteria provided, single submitter. Criteria: ACMG Guidelines, 2015. Collection method: clinical testing. Allele origin: germline.
Comment: This variant is classified as benign based on ACMG/AMP sequence variant interpretation guidelines (Richards et al. 2015 PMID: 25741868, with internal and published modifications).

GeneKor MSA
Classification: Benign for Hereditary cancer-predisposing syndrome. Last evaluated: 2025-07-10. Review status: criteria provided, single submitter. Criteria: ACMG Guidelines, 2015. Collection method: clinical testing. Allele origin: germline.

Illumina Laboratory Services, Illumina
Classification: Benign for Juvenile polyposis syndrome. Last evaluated: 2017-04-27. Review status: criteria provided, single submitter. Criteria: ICSL Variant Classification Criteria 13 December 2019. Collection method: clinical testing. Allele origin: germline.
Comment: This variant was observed as part of a predisposition screen in an ostensibly healthy population. A literature search was performed for the gene, cDNA change, and amino acid change (where applicable). No publications were found based on this search. Allele frequency data from public databases was too high to be consistent with this variant causing disease. Therefore, this variant is classified as benign.

GeneDx
Classification: Benign. Last evaluated: 2015-03-03. Review status: criteria provided, single submitter. Criteria: GeneDx Variant Classification Process June 2021. Collection method: clinical testing. Allele origin: germline. Affected: yes.

Breakthrough Genomics
Classification: Benign. Review status: criteria provided, single submitter. Criteria: ACMG Guidelines, 2015. Collection method: not provided. Allele origin: germline. Inheritance: Autosomal dominant inheritance. Affected: yes.

NM_004329.3(BMPR1A):c.-349T>C

Genes: BMPR1A (bone morphogenetic protein receptor type 1A; plus strand), LOC130004245 (ATAC-STARR-seq lymphoblastoid silent region 2573; plus strand). Cytogenetic location: 10q23.2.
Variant type: single nucleotide variant.
Coding change: c.-349T>C on transcript NM_004329.3 (MANE Select); 349 bases upstream of the start codon, T replaced by C.
Molecular consequence: 5 prime UTR variant.
Genome position (GRCh38, 1-based): chr10:86,756,838, T>C. VCF-style: chr10-86756838-T-C. GRCh37 (hg19) VCF-style: chr10-88516595-T-C.
Identifiers: ClinVar variation 301347 (VCV000301347.10), dbSNP rs34755052, ClinGen allele CA10636717.